The following is an entry in ClinVar:

NM_004247.4(EFTUD2):c.1487T>A (p.Val496Glu)

Gene: EFTUD2 (elongation factor Tu GTP binding domain containing 2; minus strand). Cytogenetic location: 17q21.31.
Variant type: single nucleotide variant.
Coding change: c.1487T>A on transcript NM_004247.4 (MANE Select); coding-DNA position 1487, T replaced by A.
Protein change: p.Val496Glu; replaces valine 496 with glutamic acid.
Molecular consequence: missense variant.
Genome position (GRCh38, 1-based): chr17:44,862,833, A>T on the plus strand (T>A on the coding strand, the complement: EFTUD2 is on the minus strand). VCF-style: chr17-44862833-A-T. GRCh37 (hg19) VCF-style: chr17-42940201-A-T.
Other names: c.1382T>A, p.Val461Glu (NM_001142605.2); c.1487T>A, p.Val496Glu (NM_001258353.2); c.1457T>A, p.Val486Glu (NM_001258354.2); short protein forms V461E, V486E, V496E.
Identifiers: ClinVar variation 1718554 (VCV001718554.5), dbSNP rs2508762606, ClinGen allele CA399813923.

ClinVar aggregate classification (germline): Uncertain significance (1 of 4 stars; one submission).

Submission:

Labcorp Genetics (formerly Invitae), Labcorp
Classification: Uncertain significance. Last evaluated: 2022-07-23. Review status: criteria provided, single submitter. Criteria: Invitae Variant Classification Sherloc (09022015). Collection method: clinical testing. Allele origin: germline.
Comment: In summary, the available evidence is currently insufficient to determine the role of this variant in disease. Therefore, it has been classified as a Variant of Uncertain Significance. Algorithms developed to predict the effect of missense changes on protein structure and function (SIFT, PolyPhen-2, Align-GVGD) all suggest that this variant is likely to be disruptive. This variant has not been reported in the literature in individuals affected with EFTUD2-related conditions. This variant is not present in population databases (gnomAD no frequency). This sequence change replaces valine, which is neutral and non-polar, with glutamic acid, which is acidic and polar, at codon 496 of the EFTUD2 protein (p.Val496Glu).